The following is an entry in ClinVar:

NM_017654.4(SAMD9):c.1025T>C (p.Phe342Ser)

Gene: SAMD9 (sterile alpha motif domain containing 9; minus strand). Cytogenetic location: 7q21.2.
Variant type: single nucleotide variant.
Coding change: c.1025T>C on transcript NM_017654.4 (MANE Select); coding-DNA position 1025, T replaced by C.
Protein change: p.Phe342Ser; replaces phenylalanine 342 with serine.
Molecular consequence: missense variant.
Genome position (GRCh38, 1-based): chr7:93,105,073, A>G on the plus strand (T>C on the coding strand, the complement: SAMD9 is on the minus strand). VCF-style: chr7-93105073-A-G. GRCh37 (hg19) VCF-style: chr7-92734386-A-G.
Other names: c.1025T>C, p.Phe342Ser (NM_001193307.2); c.1025T>C (NM_017654.3); short protein forms F342S.
Identifiers: ClinVar variation 1901149 (VCV001901149.3), dbSNP rs769654702, ClinGen allele CA4343041.
Genomic context (GRCh38, chr7:93,105,073, plus strand): 5'-AATGCTCTGAAATCAACTTTATTTTTCGTAATGTCCTTAGAGCTGGTCCCATCTCGCACA[A>G]ATAGTGAGAATTTTTTACTTTGTTCCCATATTTTGTTGTTGTAATTTTGCATTTTAATCT-3'
Protein context (NP_060124.2, residues 332-352): IWEQSKKFSL[Phe342Ser]VRDGTSSKDI

ClinVar aggregate classification (germline): Uncertain significance. Review status: criteria provided, multiple submitters, no conflicts (2 of 4 stars). 2 submissions from 2 submitters: Uncertain significance (2). Last evaluated 2024-01-16.

Allele frequency attached by ClinVar (database versions not stated): gnomAD 0.00001; TOPMed 0.00001; ExAC 0.00002; gnomAD exomes 0.00002.
gnomAD v4.1: 35 of 1,613,860 alleles (0.0022%); highest among the groups gnomAD compares: Non-Finnish European, 0.0029%; 1 homozygote.

Submissions (2):

GeneDx
Classification: Uncertain significance. Last evaluated: 2024-01-16. Review status: criteria provided, single submitter. Criteria: GeneDx Variant Classification Process June 2021. Collection method: clinical testing. Allele origin: germline. Affected: yes.
Comment: Not observed at significant frequency in large population cohorts (gnomAD); In silico analysis supports that this missense variant has a deleterious effect on protein structure/function; Has not been previously published as pathogenic or benign to our knowledge

Labcorp Genetics (formerly Invitae), Labcorp
Classification: Uncertain significance. Last evaluated: 2022-04-06. Review status: criteria provided, single submitter. Criteria: Invitae Variant Classification Sherloc (09022015). Collection method: clinical testing. Allele origin: germline.
Comment: This sequence change replaces phenylalanine, which is neutral and non-polar, with serine, which is neutral and polar, at codon 342 of the SAMD9 protein (p.Phe342Ser). This variant is present in population databases (rs769654702, gnomAD 0.004%). This variant has not been reported in the literature in individuals affected with SAMD9-related conditions. Algorithms developed to predict the effect of missense changes on protein structure and function are either unavailable or do not agree on the potential impact of this missense change (SIFT: "Deleterious"; PolyPhen-2: "Possibly Damaging"; Align-GVGD: "Class C0"). In summary, the available evidence is currently insufficient to determine the role of this variant in disease. Therefore, it has been classified as a Variant of Uncertain Significance.